The following is an entry in ClinVar:

NM_000540.3(RYR1):c.11953T>C (p.Trp3985Arg)

Gene: RYR1 (ryanodine receptor 1; plus strand). Cytogenetic location: 19q13.2.
Variant type: single nucleotide variant.
Coding change: c.11953T>C on transcript NM_000540.3 (MANE Select); coding-DNA position 11953, T replaced by C.
Protein change: p.Trp3985Arg; replaces tryptophan 3985 with arginine.
Molecular consequence: missense variant.
Genome position (GRCh38, 1-based): chr19:38,543,816, T>C. VCF-style: chr19-38543816-T-C. GRCh37 (hg19) VCF-style: chr19-39034456-T-C.
Other names: c.11953T>C (NM_000540.2); c.11938T>C, p.Trp3980Arg (NM_001042723.2); short protein forms W3985R, W3980R.
Identifiers: ClinVar variation 133025 (VCV000133025.5), dbSNP rs118204422, ClinGen allele CA023949.

ClinVar aggregate classification (germline): Uncertain significance. Review status: reviewed by expert panel (3 of 4 stars). 3 submissions from 3 submitters: Uncertain significance (1). 2 of the submissions do not count toward it. Last evaluated 2025-08-01.

Conditions:
Malignant hyperthermia, susceptibility to, 1 (MHS1). Also called: RYR1-Related Malignant Hyperthermia Susceptibility; Malignant hyperthermia suceptibility 1; Anesthesia related hyperthermia; Malignant hyperpyrexia; Fulminating hyperpyrexia; Pharmacogenic myopathy. Identifiers: Orphanet 423, MedGen C2930980, MONDO:0007783, OMIM 145600.

Submissions (3):

ClinGen Malignant Hyperthermia Susceptibility Variant Curation Expert Panel, ClinGen
Classification: Uncertain significance for Malignant hyperthermia, susceptibility to, 1. Last evaluated: 2025-08-01. Review status: reviewed by expert panel. Criteria: ClinGen MHS ACMG Specifications V2. Collection method: curation. Allele origin: germline. Inheritance: Autosomal dominant inheritance.
Comment: This pathogenicity assessment is relevant only for malignant hyperthermia susceptibility (MHS) inherited in an autosomal dominant pattern. Variants in RYR1 can also cause other myopathies inherited in an autosomal dominant pattern or in an autosomal recessive pattern. Some of these disorders may predispose individuals to malignant hyperthermia. RYR1 variants may also contribute to a malignant hyperthermia reaction in combination with other genetic and non-genetic factors and the clinician needs to consider such factors in making management decisions. This sequence variant predicts a substitution of tryptophan with arginine at codon 3985 of the RYR1 protein, p.(Trp3985Arg). This variant was not present in a large population database (gnomAD) at the time this variant was interpreted. This variant has been reported in two unrelated individuals who have a personal or family history of a malignant hyperthermia reaction, both of these individuals had a positive in vitro contracture test (IVCT) or caffeine halothane contracture test (CHCT) result (if the proband was unavailable for testing, a positive diagnostic test result in a mutation-positive relative was counted), PS4_Moderate (PMID:18719443, PMID:23558838). An ex vivo assay using muscle cells from mutation positive relatives showed an increased sensitivity to RYR1 agonists, this did not meet PS3 which requires multiple unrelated samples to be tested (PMID:18719443). This variant does not reside in a hotspot for pathogenic variants that contribute to MHS. A REVEL score >0.85 (0.941) supports a pathogenic status for this variant, PP3_Moderate. This variant has been classified as a Variant of Unknown Significance. Criteria implemented: PS4_Moderate, PP3_Moderate.

All of Us Research Program, National Institutes of Health
Classification: Uncertain significance for Malignant hyperthermia, susceptibility to, 1. Last evaluated: 2024-07-29. Review status: criteria provided, single submitter. Criteria: ACMG Guidelines, 2015. Collection method: clinical testing. Allele origin: germline. Inheritance: Autosomal dominant inheritance. Observed: 1 variant allele, 1 heterozygote. Not counted in ClinVar's aggregate classification.
Comment: This missense variant replaces tryptophan with arginine at codon 3985 of the RYR1 protein. Computational prediction suggests that this variant may have deleterious impact on protein structure and function. To our knowledge, functional studies have not been reported for this variant. This variant has been reported in three individuals affected with malignant hyperthermia susceptibility, including two related individuals with a family history of a clinical malignant hyperthermia reaction (PMID: 18719443, 23558838). This variant has not been identified in the general population by the Genome Aggregation Database (gnomAD). The available evidence is insufficient to determine the role of this variant in disease conclusively. Therefore, this variant is classified as a Variant of Uncertain Significance.

This study involves interpretation of variants in research participants for the purpose of population health screening. Participant phenotype was not available at the time of variant classification. Additional details can be found in publication PMID: 35346344, PMCID: PMC8962531

RYR1 database
No classification provided. Review status: no classification provided. Collection method: not provided. Allele origin: unknown. Not counted in ClinVar's aggregate classification.

Literature cited by the submitters: PubMed 18719443 (cited by All of Us Research Program, National Institutes of Health); PubMed 23558838 (cited by All of Us Research Program, National Institutes of Health).